The following is an entry in ClinVar:

ClinVar aggregate classification (germline): Uncertain significance. Review status: criteria provided, multiple submitters, no conflicts (2 of 4 stars). 3 submissions from 3 submitters: Uncertain significance (3). Last evaluated 2025-12-09.

Conditions:
DMXL2-related disorder. Also called: DMXL2-related condition.
Inborn genetic diseases. Identifiers: MedGen C0950123, MeSH D030342.

Allele frequency attached by ClinVar (database versions not stated): gnomAD 0.00001; gnomAD exomes 0.00001; TOPMed 0.00002.

Submissions (3):

Ambry Genetics
Classification: Uncertain significance for Inborn genetic diseases. Last evaluated: 2025-12-09. Review status: criteria provided, single submitter. Criteria: Ambry Variant Classification Scheme 2023. Collection method: clinical testing. Allele origin: germline.

PreventionGenetics, part of Exact Sciences
Classification: Uncertain significance for DMXL2-related condition. Last evaluated: 2025-12-02. Review status: criteria provided, single submitter. Criteria: ACMG Guidelines, 2015. Collection method: clinical testing. Allele origin: germline.
Comment: The DMXL2 c.3883A>G variant is predicted to result in the amino acid substitution p.Met1295Val. To our knowledge, this variant has not been reported in the literature. This variant is reported in 0.011% of alleles in individuals of Latino descent in gnomAD. At this time, the clinical significance of this variant is uncertain due to the absence of conclusive functional and genetic evidence.

Labcorp Genetics (formerly Invitae), Labcorp
Classification: Uncertain significance. Last evaluated: 2022-08-03. Review status: criteria provided, single submitter. Criteria: Invitae Variant Classification Sherloc (09022015). Collection method: clinical testing. Allele origin: germline.
Comment: This sequence change replaces methionine, which is neutral and non-polar, with valine, which is neutral and non-polar, at codon 1295 of the DMXL2 protein (p.Met1295Val). This variant is present in population databases (no rsID available, gnomAD 0.01%). This variant has not been reported in the literature in individuals affected with DMXL2-related conditions. Algorithms developed to predict the effect of missense changes on protein structure and function output the following: SIFT: "Tolerated"; PolyPhen-2: "Benign"; Align-GVGD: "Class C0". The valine amino acid residue is found in multiple mammalian species, which suggests that this missense change does not adversely affect protein function. In summary, the available evidence is currently insufficient to determine the role of this variant in disease. Therefore, it has been classified as a Variant of Uncertain Significance.

NM_001378457.1(DMXL2):c.3883A>G (p.Met1295Val)

Gene: DMXL2 (Dmx like 2; minus strand). Cytogenetic location: 15q21.2.
Variant type: single nucleotide variant.
Coding change: c.3883A>G on transcript NM_001378457.1 (MANE Select); coding-DNA position 3883, A replaced by G.
Protein change: p.Met1295Val; replaces methionine 1295 with valine.
Molecular consequence: missense variant. On other transcripts: non-coding transcript variant (2), intron variant (2).
Genome position (GRCh38, 1-based): chr15:51,499,341, T>C on the plus strand (A>G on the coding strand, the complement: DMXL2 is on the minus strand). VCF-style: chr15-51499341-T-C. GRCh37 (hg19) VCF-style: chr15-51791538-T-C.
Other names: c.3883A>G, p.Met1295Val (NM_001174116.3, NM_001378458.1, NM_001378459.1 and 4 more transcripts); c.3643A>G, p.Met1215Val (NM_001378464.1); c.2765-7594A>G (NM_001378460.1); c.2765-4207A>G (NM_001174117.3); c.3883A>G (NM_001174116.1); short protein forms M1295V, M1215V.
Identifiers: ClinVar variation 2084274 (VCV002084274.3), dbSNP rs890778468, ClinGen allele CA270574139.